The following is an entry in ClinVar:

ClinVar aggregate classification (germline): Likely benign (1 of 4 stars; one submission).

Allele frequency attached by ClinVar (database versions not stated): 1000 Genomes Project 0.00319; 1000 Genomes Project 30x 0.00390; ExAC 0.00443; gnomAD 0.00482; TOPMed 0.00511; ESP Exome Variant Server 0.00623; gnomAD exomes 0.00624.

Submission:

CeGaT Center for Human Genetics Tuebingen
Classification: Likely benign. Last evaluated: 2022-11-01. Review status: criteria provided, single submitter. Criteria: CeGaT Center For Human Genetics Tuebingen Variant Classification Criteria Version 2. Collection method: clinical testing. Allele origin: germline. Affected: yes. Observed: 1 variant allele.
Comment: UNC5B: BP4, BS2

NM_170744.5(UNC5B):c.2215G>A (p.Val739Met)

Gene: UNC5B (unc-5 netrin receptor B; plus strand). Cytogenetic location: 10q22.1.
Variant type: single nucleotide variant.
Coding change: c.2215G>A on transcript NM_170744.5 (MANE Select); coding-DNA position 2215, G replaced by A.
Protein change: p.Val739Met; replaces valine 739 with methionine.
Molecular consequence: missense variant.
Genome position (GRCh38, 1-based): chr10:71,295,850, G>A. VCF-style: chr10-71295850-G-A. GRCh37 (hg19) VCF-style: chr10-73055607-G-A.
Other names: c.2182G>A, p.Val728Met (NM_001244889.2); short protein forms V728M, V739M.
Identifiers: ClinVar variation 2640566 (VCV002640566.24), dbSNP rs61749231, ClinGen allele CA5542510.